The following is an entry in ClinVar:

NM_013322.3(SNX10):c.332T>A (p.Leu111Ter)

Gene: SNX10 (sorting nexin 10; plus strand). Cytogenetic location: 7p15.2.
Variant type: single nucleotide variant.
Coding change: c.332T>A on transcript NM_013322.3 (MANE Select); coding-DNA position 332, T replaced by A.
Protein change: p.Leu111Ter; replaces leucine 111 with a stop codon.
Molecular consequence: nonsense.
Genome position (GRCh38, 1-based): chr7:26,371,841, T>A. VCF-style: chr7-26371841-T-A. GRCh37 (hg19) VCF-style: chr7-26411461-T-A.
Other names: c.332T>A, p.Leu111Ter (NM_001199835.1, NM_001318199.3); c.323T>A, p.Leu108Ter (NM_001199837.3); c.80T>A, p.Leu27Ter (NM_001199838.2); c.410T>A, p.Leu137Ter (NM_001318198.1, NM_001362753.1, NM_001362754.1); short protein forms L137*, L27*, L108*, L111*.
Identifiers: ClinVar variation 4760112 (VCV004760112.1).

ClinVar aggregate classification (germline): Pathogenic (1 of 4 stars; one submission).

Submission:

Labcorp Genetics (formerly Invitae), Labcorp
Classification: Pathogenic. Last evaluated: 2025-04-23. Review status: criteria provided, single submitter. Criteria: Invitae Variant Classification Sherloc (09022015). Collection method: clinical testing. Allele origin: germline.
Comment: This sequence change creates a premature translational stop signal (p.Leu111*) in the SNX10 gene. It is expected to result in an absent or disrupted protein product. Loss-of-function variants in SNX10 are known to be pathogenic (PMID: 23123320, 23280965, 25811986). This variant is not present in population databases (gnomAD no frequency). This variant has not been reported in the literature in individuals affected with SNX10-related conditions. Algorithms developed to predict the effect of sequence changes on RNA splicing suggest that this variant may create or strengthen a splice site. For these reasons, this variant has been classified as Pathogenic.

Literature cited by the submitters: PubMed 23123320; PubMed 23280965; PubMed 25811986.